The following is an entry in ClinVar:

ClinVar aggregate classification (germline): Uncertain significance (1 of 4 stars; one submission).

Conditions:
Congenital neutropenia-myelofibrosis-nephromegaly syndrome. Also called: Severe congenital neutropenia 5, autosomal recessive. Identifiers: Orphanet 369852, MedGen C3809031, MONDO:0014118, OMIM 615285.

Submission:

Labcorp Genetics (formerly Invitae), Labcorp
Classification: Uncertain significance for Congenital neutropenia-myelofibrosis-nephromegaly syndrome. Last evaluated: 2022-03-11. Review status: criteria provided, single submitter. Criteria: Invitae Variant Classification Sherloc (09022015). Collection method: clinical testing. Allele origin: germline.
Comment: This sequence change replaces isoleucine, which is neutral and non-polar, with methionine, which is neutral and non-polar, at codon 287 of the VPS45 protein (p.Ile287Met). This variant is not present in population databases (gnomAD no frequency). This variant has not been reported in the literature in individuals affected with VPS45-related conditions. Algorithms developed to predict the effect of missense changes on protein structure and function are either unavailable or do not agree on the potential impact of this missense change (SIFT: "Deleterious"; PolyPhen-2: "Possibly Damaging"; Align-GVGD: "Class C0"). In summary, the available evidence is currently insufficient to determine the role of this variant in disease. Therefore, it has been classified as a Variant of Uncertain Significance.

NM_007259.5(VPS45):c.861A>G (p.Ile287Met)

Gene: VPS45 (vacuolar protein sorting 45 homolog; plus strand). Cytogenetic location: 1q21.2.
Variant type: single nucleotide variant.
Coding change: c.861A>G on transcript NM_007259.5 (MANE Select); coding-DNA position 861, A replaced by G.
Protein change: p.Ile287Met; replaces isoleucine 287 with methionine.
Molecular consequence: missense variant. On other transcripts: non-coding transcript variant (1).
Genome position (GRCh38, 1-based): chr1:150,081,922, A>G. VCF-style: chr1-150081922-A-G. GRCh37 (hg19) VCF-style: chr1-150054004-A-G.
Other names: c.546A>G, p.Ile182Met (NM_001279353.2); c.753A>G, p.Ile251Met (NM_001279354.2); short protein forms I182M, I251M, I287M.
Identifiers: ClinVar variation 2055334 (VCV002055334.4), dbSNP rs2526133272, ClinGen allele CA342251567.